The following is an entry in ClinVar:

ClinVar aggregate classification (germline): Uncertain significance. Review status: criteria provided, multiple submitters, no conflicts (2 of 4 stars). 3 submissions from 3 submitters: Uncertain significance (3). Last evaluated 2026-10-08.

Conditions:
Inborn genetic diseases. Identifiers: MedGen C0950123, MeSH D030342.

Allele frequency attached by ClinVar (database versions not stated): gnomAD 0.00030 and 0.00044; ExAC 0.00013; gnomAD exomes 0.00018; ESP Exome Variant Server 0.00032; TOPMed 0.00035.
gnomAD v4.1: 652 of 1,613,368 alleles (0.04%); highest among the groups gnomAD compares: Non-Finnish European, 0.052%; 1 homozygote.

Submissions (3):

GeneDx
Classification: Uncertain significance. Last evaluated: 2026-10-08. Review status: criteria provided, single submitter. Criteria: GeneDx Variant Classification Process June 2021. Collection method: clinical testing. Allele origin: germline.
Comment: Has not been previously published as pathogenic or benign to our knowledge; In silico analysis supports that this missense variant has a deleterious effect on protein structure/function

Ambry Genetics
Classification: Uncertain significance for Inborn genetic diseases. Last evaluated: 2025-04-01. Review status: criteria provided, single submitter. Criteria: Ambry Variant Classification Scheme 2023. Collection method: clinical testing. Allele origin: germline.

Labcorp Genetics (formerly Invitae), Labcorp
Classification: Uncertain significance. Last evaluated: 2022-10-24. Review status: criteria provided, single submitter. Criteria: Invitae Variant Classification Sherloc (09022015). Collection method: clinical testing. Allele origin: germline.
Comment: This sequence change replaces histidine, which is basic and polar, with arginine, which is basic and polar, at codon 4404 of the PCLO protein (p.His4404Arg). This variant is present in population databases (rs201804307, gnomAD 0.05%). This variant has not been reported in the literature in individuals affected with PCLO-related conditions. ClinVar contains an entry for this variant (Variation ID: 1377541). Algorithms developed to predict the effect of missense changes on protein structure and function are either unavailable or do not agree on the potential impact of this missense change (SIFT: "Deleterious"; PolyPhen-2: "Not Available"; Align-GVGD: "Class C0"). In summary, the available evidence is currently insufficient to determine the role of this variant in disease. Therefore, it has been classified as a Variant of Uncertain Significance.

NM_033026.6(PCLO):c.13211A>G (p.His4404Arg)

Gene: PCLO (piccolo presynaptic cytomatrix protein; minus strand). Cytogenetic location: 7q21.11.
Variant type: single nucleotide variant.
Coding change: c.13211A>G on transcript NM_033026.6 (MANE Select); coding-DNA position 13211, A replaced by G.
Protein change: p.His4404Arg; replaces histidine 4404 with arginine.
Molecular consequence: missense variant.
Genome position (GRCh38, 1-based): chr7:82,914,775, T>C on the plus strand (A>G on the coding strand, the complement: PCLO is on the minus strand). VCF-style: chr7-82914775-T-C. GRCh37 (hg19) VCF-style: chr7-82544091-T-C.
Other names: c.13211A>G, p.His4404Arg (NM_014510.3); c.13211A>G (NM_033026.5); short protein forms H4404R.
Identifiers: ClinVar variation 1377541 (VCV001377541.7), dbSNP rs201804307, ClinGen allele CA4319252.